The following is an entry in ClinVar:

NM_001887.4(CRYBB1):c.744A>G (p.Thr248=)

Genes: CRYBA4 (crystallin beta A4; plus strand), CRYBB1 (crystallin beta B1; minus strand). Cytogenetic location: 22q12.1.
Variant type: single nucleotide variant.
Coding change: c.744A>G on transcript NM_001887.4 (MANE Select); coding-DNA position 744, A replaced by G.
Protein change: p.Thr248=; no amino-acid change (threonine 248 retained).
Molecular consequence: synonymous variant.
Genome position (GRCh38, 1-based): chr22:26,599,505, T>C on the plus strand (A>G on the coding strand, the complement: CRYBB1 is on the minus strand). VCF-style: chr22-26599505-T-C. GRCh37 (hg19) VCF-style: chr22-26995469-T-C.
Identifiers: ClinVar variation 341042 (VCV000341042.51), dbSNP rs142495368, ClinGen allele CA10165355.

ClinVar aggregate classification (germline): Conflicting classifications of pathogenicity. Review status: criteria provided, conflicting classifications (1 of 4 stars). 3 submissions from 3 submitters: Uncertain significance (1); Likely benign (1). 1 of the submissions does not count toward it. Last evaluated 2024-10-17.

Conditions:
Cataract 17 multiple types. Also called: CATARACT 17, PULVERULENT; CATARACT 17, CONGENITAL NUCLEAR, AUTOSOMAL RECESSIVE. Identifiers: Orphanet 91492, MedGen C3888124, MONDO:0012688, OMIM 611544.
CRYBB1-related disorder. Also called: CRYBB1-related condition.

Allele frequency attached by ClinVar (database versions not stated): gnomAD 0.00034 and 0.00036; TOPMed 0.00038; gnomAD exomes 0.00039 and 0.00062; ExAC 0.00040; ESP Exome Variant Server 0.00054.
gnomAD v4.1: 951 of 1,612,666 alleles (0.059%); highest among the groups gnomAD compares: Non-Finnish European, 0.076%; 1 homozygote.

Submissions (3):

Labcorp Genetics (formerly Invitae), Labcorp
Classification: Likely benign for Cataract 17 multiple types. Last evaluated: 2024-10-17. Review status: criteria provided, single submitter. Criteria: Invitae Variant Classification Sherloc (09022015). Collection method: clinical testing. Allele origin: germline.

Illumina Laboratory Services, Illumina
Classification: Uncertain significance for Cataract 17 multiple types. Last evaluated: 2018-01-13. Review status: criteria provided, single submitter. Criteria: ICSL Variant Classification Criteria 13 December 2019. Collection method: clinical testing. Allele origin: germline.

PreventionGenetics, part of Exact Sciences
Classification: Likely benign for CRYBB1-related condition. Last evaluated: 2019-06-10. Review status: no assertion criteria provided. Collection method: clinical testing. Allele origin: germline. Not counted in ClinVar's aggregate classification.
Comment: This variant is classified as likely benign based on ACMG/AMP sequence variant interpretation guidelines (Richards et al. 2015 PMID: 25741868, with internal and published modifications).